The following is an entry in ClinVar:

ClinVar aggregate classification (germline): Uncertain significance (1 of 4 stars; one submission).

Submission:

Labcorp Genetics (formerly Invitae), Labcorp
Classification: Uncertain significance. Last evaluated: 2022-02-24. Review status: criteria provided, single submitter. Criteria: Invitae Variant Classification Sherloc (09022015). Collection method: clinical testing. Allele origin: germline.
Comment: In summary, the available evidence is currently insufficient to determine the role of this variant in disease. Therefore, it has been classified as a Variant of Uncertain Significance. Variants that disrupt the consensus splice site are a relatively common cause of aberrant splicing (PMID: 17576681, 9536098). Algorithms developed to predict the effect of sequence changes on RNA splicing suggest that this variant may disrupt the consensus splice site. This variant has not been reported in the literature in individuals affected with LAMA1-related conditions. This variant is not present in population databases (gnomAD no frequency). This sequence change falls in intron 16 of the LAMA1 gene. It does not directly change the encoded amino acid sequence of the LAMA1 protein. It affects a nucleotide within the consensus splice site.

Literature cited by the submitters: PubMed 17576681; PubMed 9536098.

NM_005559.4(LAMA1):c.2274+5G>A

Gene: LAMA1 (laminin subunit alpha 1; minus strand). Cytogenetic location: 18p11.31.
Variant type: single nucleotide variant.
Coding change: c.2274+5G>A on transcript NM_005559.4 (MANE Select); 5 bases into the intron after coding-DNA position 2274, G replaced by A.
Molecular consequence: intron variant.
Genome position (GRCh38, 1-based): chr18:7,032,061, C>T on the plus strand (G>A on the coding strand, the complement: LAMA1 is on the minus strand). VCF-style: chr18-7032061-C-T. GRCh37 (hg19) VCF-style: chr18-7032060-C-T.
Identifiers: ClinVar variation 1354704 (VCV001354704.6), dbSNP rs2144160868, ClinGen allele CA2573155099.